The following is an entry in ClinVar:

NM_005902.4(SMAD3):c.278G>A (p.Arg93Gln)

Gene: SMAD3 (SMAD family member 3; plus strand). Cytogenetic location: 15q22.33.
Variant type: single nucleotide variant.
Coding change: c.278G>A on transcript NM_005902.4 (MANE Select); coding-DNA position 278, G replaced by A.
Protein change: p.Arg93Gln; replaces arginine 93 with glutamine.
Molecular consequence: missense variant. On other transcripts: 5 prime UTR variant (1).
Genome position (GRCh38, 1-based): chr15:67,164,966, G>A. VCF-style: chr15-67164966-G-A. GRCh37 (hg19) VCF-style: chr15-67457304-G-A.
Other names: p.R93Q:CGA>CAA; c.-38G>A (NM_001145102.2); c.146G>A, p.Arg49Gln (NM_001145103.2); short protein forms R93Q, R49Q.
Identifiers: ClinVar variation 213800 (VCV000213800.25), dbSNP rs863223765, ClinGen allele CA325051.

ClinVar aggregate classification (germline): Conflicting classifications of pathogenicity. Review status: criteria provided, conflicting classifications (1 of 4 stars). 8 submissions from 8 submitters: Pathogenic (1); Likely pathogenic (3); Uncertain significance (4). Last evaluated 2026-09-21.

Conditions:
SMAD3-related disorder. Also called: SMAD3-related condition.
Aneurysm-osteoarthritis syndrome. Also called: Loeys-Dietz syndrome, type 1C; SMAD3-Related Loeys-Dietz Syndrome; LOEYS-DIETZ SYNDROME WITH OSTEOARTHRITIS; ANEURYSMS-OSTEOARTHRITIS SYNDROME. Identifiers: Orphanet 284984, MedGen C3151087, MONDO:0013426, OMIM 613795.
Idiopathic spontaneous coronary artery dissection. Also called: Coronary artery dissection, spontaneous. Identifiers: Orphanet 458718, MedGen C1852540, MONDO:0007385, OMIM 122455.
Cardiovascular phenotype. Identifiers: MedGen CN230736.
Familial thoracic aortic aneurysm and aortic dissection (TAAD). Also called: Thoracic aortic aneurysms and dissections. Identifiers: Orphanet 91387, MedGen C4707243, MONDO:0019625.

Submissions (8):

Molecular Diagnostic Laboratory for Inherited Cardiovascular Disease, Montreal Heart Institute
Classification: Uncertain significance for Cardiovascular phenotype. Last evaluated: 2026-09-21. Review status: criteria provided, single submitter. Criteria: ACMG Guidelines, 2015. Collection method: clinical testing. Allele origin: germline. Affected: yes.
Comment: PM2, PP3

Clinical Genetics Laboratory, Skane University Hospital Lund
Classification: Uncertain significance for Idiopathic spontaneous coronary artery dissection. Last evaluated: 2025-12-03. Review status: criteria provided, single submitter. Criteria: ACMG Guidelines, 2015. Collection method: clinical testing. Allele origin: germline. Affected: yes.
Comment: ACMG criteria PM2 and PP3 were used.

Labcorp Genetics (formerly Invitae), Labcorp
Classification: Pathogenic for Familial thoracic aortic aneurysm and aortic dissection. Last evaluated: 2025-11-28. Review status: criteria provided, single submitter. Criteria: Invitae Variant Classification Sherloc (09022015). Collection method: clinical testing. Allele origin: germline.
Comment: This sequence change replaces arginine, which is basic and polar, with glutamine, which is neutral and polar, at codon 93 of the SMAD3 protein (p.Arg93Gln). This variant is not present in population databases (gnomAD no frequency). This missense change has been observed in individuals with SMAD3-related disease (PMID: 29543232; internal data). It has also been observed to segregate with disease in related individuals. ClinVar contains an entry for this variant (Variation ID: 213800). Invitae Evidence Modeling incorporating data from in vitro experimental studies (internal data) indicates that this missense variant is expected to disrupt SMAD3 function with a positive predictive value of 95%. For these reasons, this variant has been classified as Pathogenic.

GeneDx
Classification: Uncertain significance. Last evaluated: 2025-09-15. Review status: criteria provided, single submitter. Criteria: GeneDx Variant Classification Process June 2021. Collection method: clinical testing. Allele origin: germline. Affected: yes.
Comment: Not observed at significant frequency in large population cohorts (gnomAD); In silico analysis supports that this missense variant has a deleterious effect on protein structure/function; This variant is associated with the following publications: (PMID: 23139211, 29543232)

Institute of Human Genetics, Cologne University
Classification: Likely pathogenic for Aneurysm-osteoarthritis syndrome. Last evaluated: 2023-11-03. Review status: criteria provided, single submitter. Criteria: ACMG Guidelines, 2015. Collection method: clinical testing. Allele origin: germline. Affected: yes.

All of Us Research Program, National Institutes of Health
Classification: Uncertain significance for Aneurysm-osteoarthritis syndrome. Last evaluated: 2023-05-04. Review status: criteria provided, single submitter. Criteria: ACMG Guidelines, 2015. Collection method: clinical testing. Allele origin: germline. Inheritance: Autosomal dominant inheritance. Observed: 1 variant allele, 1 heterozygote.
Comment: This study involves interpretation of variants in research participants for the purpose of population health screening. Participant phenotype was not available at the time of variant classification. Additional details can be found in publication PMID: 35346344, PMCID: PMC8962531

Blueprint Genetics
Classification: Likely pathogenic for SMAD3-related disorders. Last evaluated: 2022-06-08. Review status: criteria provided, single submitter. Criteria: ACMG Guidelines, 2015. Collection method: clinical testing. Allele origin: germline. Affected: yes. Observed: 1 variant allele.

CHEO Genetics Diagnostic Laboratory, Children's Hospital of Eastern Ontario
Classification: Likely pathogenic for Familial thoracic aortic aneurysm and aortic dissection. Last evaluated: 2022-02-25. Review status: criteria provided, single submitter. Criteria: ACMG Guidelines, 2015. Collection method: clinical testing. Allele origin: germline. Study: Canadian Open Genetics Repository.

Literature cited by the submitters: PubMed 29543232 (cited by Labcorp Genetics (formerly Invitae), Labcorp).